The following is an entry in ClinVar:

ClinVar aggregate classification (germline): Uncertain significance. Review status: criteria provided, multiple submitters, no conflicts (2 of 4 stars). 4 submissions from 4 submitters: Uncertain significance (4). Last evaluated 2025-01-06.

Conditions:
SAMD9-related disorder. Also called: SAMD9-related condition.
Inborn genetic diseases. Identifiers: MedGen C0950123, MeSH D030342.

Allele frequency attached by ClinVar (database versions not stated): gnomAD exomes below 0.00001 and 0.00001; gnomAD 0.00001; TOPMed 0.00001.
gnomAD v4.1: 4 of 1,613,176 alleles (0.00025%); highest among the groups gnomAD compares: Admixed American, 0.005%; no homozygotes.

Submissions (4):

Ambry Genetics
Classification: Uncertain significance for Inborn genetic diseases. Last evaluated: 2025-01-06. Review status: criteria provided, single submitter. Criteria: Ambry Variant Classification Scheme 2023. Collection method: clinical testing. Allele origin: germline.
Comment: The p.N407S variant (also known as c.1220A>G), located in coding exon 1 of the SAMD9 gene, results from an A to G substitution at nucleotide position 1220. The asparagine at codon 407 is replaced by serine, an amino acid with highly similar properties. This amino acid position is conserved. In addition, this alteration is predicted to be tolerated by in silico analysis. Based on the available evidence, the clinical significance of this variant remains unclear.

PreventionGenetics, part of Exact Sciences
Classification: Uncertain significance for SAMD9-related condition. Last evaluated: 2022-10-09. Review status: criteria provided, single submitter. Criteria: ACMG Guidelines, 2015. Collection method: clinical testing. Allele origin: germline.
Comment: The SAMD9 c.1220A>G variant is predicted to result in the amino acid substitution p.Asn407Ser. To our knowledge, this variant has not been reported in the literature. This variant is reported in 0.00088% of alleles in individuals of European (Non-Finnish) descent in gnomAD. At this time, the clinical significance of this variant is uncertain due to the absence of conclusive functional and genetic evidence.

Labcorp Genetics (formerly Invitae), Labcorp
Classification: Uncertain significance. Last evaluated: 2021-12-08. Review status: criteria provided, single submitter. Criteria: Invitae Variant Classification Sherloc (09022015). Collection method: clinical testing. Allele origin: germline.
Comment: This sequence change replaces asparagine, which is neutral and polar, with serine, which is neutral and polar, at codon 407 of the SAMD9 protein (p.Asn407Ser). This variant is present in population databases (no rsID available, gnomAD 0.003%). This variant has not been reported in the literature in individuals affected with SAMD9-related conditions. ClinVar contains an entry for this variant (Variation ID: 1311159). Algorithms developed to predict the effect of missense changes on protein structure and function are either unavailable or do not agree on the potential impact of this missense change (SIFT: "Tolerated"; PolyPhen-2: "Possibly Damaging"; Align-GVGD: "Class C0"). In summary, the available evidence is currently insufficient to determine the role of this variant in disease. Therefore, it has been classified as a Variant of Uncertain Significance.

GeneDx
Classification: Uncertain significance. Last evaluated: 2020-01-14. Review status: criteria provided, single submitter. Criteria: GeneDx Variant Classification Process June 2021. Collection method: clinical testing. Allele origin: germline. Affected: yes.
Comment: Not observed at a significant frequency in large population cohorts (Lek et al., 2016); In silico analysis, which includes protein predictors and evolutionary conservation, supports that this variant does not alter protein structure/function; Has not been previously published as pathogenic or benign to our knowledge; This variant is associated with the following publications: (PMID: 25188385)

NM_017654.4(SAMD9):c.1220A>G (p.Asn407Ser)

Gene: SAMD9 (sterile alpha motif domain containing 9; minus strand). Cytogenetic location: 7q21.2.
Variant type: single nucleotide variant.
Coding change: c.1220A>G on transcript NM_017654.4 (MANE Select); coding-DNA position 1220, A replaced by G.
Protein change: p.Asn407Ser; replaces asparagine 407 with serine.
Molecular consequence: missense variant.
Genome position (GRCh38, 1-based): chr7:93,104,878, T>C on the plus strand (A>G on the coding strand, the complement: SAMD9 is on the minus strand). VCF-style: chr7-93104878-T-C. GRCh37 (hg19) VCF-style: chr7-92734191-T-C.
Other names: c.1220A>G, p.Asn407Ser (NM_001193307.2); short protein forms N407S.
Identifiers: ClinVar variation 1311159 (VCV001311159.5), dbSNP rs1432708965, ClinGen allele CA368198333.
Genomic context (GRCh38, chr7:93,104,878, plus strand): 5'-TGTTTTGTTTGATCTGGGTGGCATTTATTTGTTACAAGAATGTACTGTTCATAGTATGAA[T>C]TATCTAACAAATCTTGATTTCCTGTCAATAATTTAACCAACTTTGGTCCCTCTCTTTCTT-3'
Protein context (NP_060124.2, residues 397-417): LLTGNQDLLD[Asn407Ser]SYYEQYILVT